The following is an entry in ClinVar:

NM_001318895.3(FHL2):c.11G>C (p.Arg4Pro)

Gene: FHL2 (four and a half LIM domains 2; minus strand). Cytogenetic location: 2q12.2.
Variant type: single nucleotide variant.
Coding change: c.11G>C on transcript NM_001318895.3 (MANE Select); coding-DNA position 11, G replaced by C.
Protein change: p.Arg4Pro; replaces arginine 4 with proline.
Molecular consequence: missense variant. On other transcripts: 5 prime UTR variant (3).
Genome position (GRCh38, 1-based): chr2:105,386,506, C>G on the plus strand (G>C on the coding strand, the complement: FHL2 is on the minus strand). VCF-style: chr2-105386506-C-G. GRCh37 (hg19) VCF-style: chr2-106002963-C-G.
Other names: c.11G>C, p.Arg4Pro (NM_001039492.3, NM_001318894.1, NM_001318896.2 and 4 more transcripts); c.-157G>C (NM_001318897.2, NM_001318898.2); c.-436G>C (NM_001318899.2); short protein forms R4P.
Identifiers: ClinVar variation 1022557 (VCV001022557.5), dbSNP rs369109946, ClinGen allele CA348100787.

ClinVar aggregate classification (germline): Uncertain significance (1 of 4 stars; one submission).

Conditions:
Primary dilated cardiomyopathy (DCM). Also called: Dilated Cardiomyopathy. Identifiers: Orphanet 217604, MedGen C0007193, MeSH D002311, MONDO:0005021, HP:0001644. Inheritance: Various modes of inheritance.

Submission:

Labcorp Genetics (formerly Invitae), Labcorp
Classification: Uncertain significance for Primary dilated cardiomyopathy. Last evaluated: 2020-01-16. Review status: criteria provided, single submitter. Criteria: Invitae Variant Classification Sherloc (09022015). Collection method: clinical testing. Allele origin: germline.
Comment: In summary, the available evidence is currently insufficient to determine the role of this variant in disease. Therefore, it has been classified as a Variant of Uncertain Significance. Algorithms developed to predict the effect of missense changes on protein structure and function are either unavailable or do not agree on the potential impact of this missense change (SIFT: "Deleterious"; PolyPhen-2: "Benign"; Align-GVGD: "Class C0"). This variant has not been reported in the literature in individuals with FHL2-related conditions. This variant is not present in population databases (ExAC no frequency). This sequence change replaces arginine with proline at codon 4 of the FHL2 protein (p.Arg4Pro). The arginine residue is moderately conserved and there is a moderate physicochemical difference between arginine and proline.